The following is an entry in ClinVar:

NM_001267550.2(TTN):c.97643G>A (p.Arg32548His)

Genes: TTN (titin; minus strand), TTN-AS1 (TTN antisense RNA 1; plus strand). Cytogenetic location: 2q31.2.
Variant type: single nucleotide variant.
Coding change: c.97643G>A on transcript NM_001267550.2 (MANE Select); coding-DNA position 97643, G replaced by A.
Protein change: p.Arg32548His; replaces arginine 32548 with histidine.
Molecular consequence: missense variant.
Genome position (GRCh38, 1-based): chr2:178,541,434, C>T on the plus strand (G>A on the coding strand, the complement: TTN is on the minus strand). VCF-style: chr2-178541434-C-T. GRCh37 (hg19) VCF-style: chr2-179406161-C-T.
Other names: NC_000002.11:g.179406161C>T; c.92720G>A, p.Arg30907His (NM_001256850.1); c.70448G>A, p.Arg23483His (NM_003319.4); c.89939G>A, p.Arg29980His (NM_133378.4); c.70823G>A, p.Arg23608His (NM_133432.3); c.71024G>A, p.Arg23675His (NM_133437.4); short protein forms R29980H, R32548H, R23483H, R30907H, R23608H, R23675H.
Identifiers: ClinVar variation 332715 (VCV000332715.15), dbSNP rs55676195, ClinGen allele CA1986512.

ClinVar aggregate classification (germline): Conflicting classifications of pathogenicity. Review status: criteria provided, conflicting classifications (1 of 4 stars). 14 submissions from 10 submitters: Uncertain significance (6); Likely benign (6). 2 of the submissions do not count toward it. Last evaluated 2026-06-17.

Conditions:
Dilated cardiomyopathy 1G (CMD1G). Identifiers: Orphanet 154, MedGen C1858763, MONDO:0011400, OMIM 604145.
Cardiovascular phenotype. Identifiers: MedGen CN230736.
TTN-related disorder. Also called: TTN-related disorders; TTN-related condition; TTN-related disease.
Autosomal recessive limb-girdle muscular dystrophy type 2J (LGMDR10). Also called: Limb-girdle muscular dystrophy, type 2J; MUSCULAR DYSTROPHY, LIMB-GIRDLE, AUTOSOMAL RECESSIVE 10. Identifiers: Orphanet 140922, MedGen C1837342, MONDO:0012127, OMIM 608807.
Tibial muscular dystrophy (TMD). Also called: UDD MYOPATHY; Tibial muscular dystrophy, tardive; Udd Distal Myopathy – Tibial Muscular Dystrophy. Identifiers: Orphanet 609, MedGen C1838244, MONDO:0010870, OMIM 600334.
Early-onset myopathy with fatal cardiomyopathy (CMYO5). Also called: Salih Myopathy; CONGENITAL MYOPATHY 5 WITH CARDIOMYOPATHY. Identifiers: Orphanet 289377, MedGen C2673677, MONDO:0012714, OMIM 611705. Disease mechanism: loss of function.
Myopathy, myofibrillar, 9, with early respiratory failure (MFM9). Also called: MYOPATHY, PROXIMAL, WITH EARLY RESPIRATORY MUSCLE INVOLVEMENT; Hereditary myopathy with early respiratory failure; Myopathy, distal, with early respiratory failure, autosomal dominant; EDSTROM MYOPATHY. Identifiers: Orphanet 178464, Orphanet 34521, MedGen C1863599, MONDO:0011362, OMIM 603689.

Allele frequency attached by ClinVar (database versions not stated): gnomAD exomes 0.00004 and 0.00007; gnomAD 0.00006; ExAC 0.00007; ESP Exome Variant Server 0.00008; TOPMed 0.00015; 1000 Genomes Project 30x 0.00016; 1000 Genomes Project 0.00020.
gnomAD v4.1: 86 of 1,613,374 alleles (0.0053%); highest among the groups gnomAD compares: Middle Eastern, 0.12%; no homozygotes.

Submissions (15):

PreventionGenetics, part of Exact Sciences
Classification: Uncertain significance for TTN-related condition. Last evaluated: 2026-06-17. Review status: criteria provided, single submitter. Criteria: ACMG Guidelines, 2015. Collection method: clinical testing. Allele origin: germline.
Comment: The TTN c.97643G>A variant is predicted to result in the amino acid substitution p.Arg32548His. This variant has been reported in an individual with arrhythmogenic cardiomyopathy; however, this individual also carried a causative variant in the PKP2 gene which could explain the clinical features (described as p.Arg23483His, König et al. 2017. PubMed ID: 29221435). This variant is reported in 0.029% of alleles in individuals of African descent in gnomAD. At this time, the clinical significance of this variant is uncertain due to the absence of conclusive functional and genetic evidence.

Women's Health and Genetics/Laboratory Corporation of America, LabCorp
Classification: Uncertain significance. Last evaluated: 2025-07-16. Review status: criteria provided, single submitter. Criteria: LabCorp Variant Classification Summary - May 2015. Collection method: clinical testing. Allele origin: germline.
Comment: Variant summary: TTN c.89939G>A (p.Arg29980His) results in a non-conservative amino acid change in the encoded protein sequence. Algorithms developed to predict the effect of missense changes on protein structure and function are either unavailable or do not agree on the potential impact of this missense change. The variant allele was found at a frequency of 6.8e-05 in 248448 control chromosomes, predominantly at a frequency of 0.00039 within the African or African-American subpopulation in the gnomAD database. The available data on variant occurrences in the general population are insufficient to allow any conclusion about variant significance. c.89939G>A has been observed in an individual affected with Arrhythmogenic cardiomyopath, co-occurring with an Likely Pathogenic variant in PKP2 which might fully explain the phenotype (Konig_2017). These report(s) do not provide unequivocal conclusions about association of the variant with Autosomal Recessive Titinopathy and other TTN related conditions. To our knowledge, no experimental evidence demonstrating an impact on protein function has been reported. The following publication has been ascertained in the context of this evaluation (PMID: 29221435). ClinVar contains an entry for this variant (Variation ID: 332715). Based on the evidence outlined above, the variant was classified as uncertain significance.

Molecular Diagnostic Laboratory for Inherited Cardiovascular Disease, Montreal Heart Institute
Classification: Likely benign. Last evaluated: 2025-04-09. Review status: criteria provided, single submitter. Criteria: ACMG Guidelines, 2015. Collection method: clinical testing. Allele origin: germline. Affected: no.

Blueprint Genetics
Classification: Likely benign. Last evaluated: 2024-04-25. Review status: criteria provided, single submitter. Criteria: ACMG Guidelines, 2015. Collection method: clinical testing. Allele origin: germline.

Revvity Omics, Revvity
Classification: Uncertain significance. Last evaluated: 2024-03-19. Review status: criteria provided, single submitter. Criteria: ACMG Guidelines, 2015. Collection method: clinical testing. Allele origin: germline.

Ambry Genetics
Classification: Likely benign for Cardiovascular phenotype. Last evaluated: 2020-06-13. Review status: criteria provided, single submitter. Criteria: Ambry Variant Classification Scheme 2023. Collection method: clinical testing. Allele origin: germline.

GeneDx
Classification: Likely benign. Last evaluated: 2018-08-06. Review status: criteria provided, single submitter. Criteria: GeneDx Variant Classification Process June 2021. Collection method: clinical testing. Allele origin: germline. Affected: yes.
Comment: This variant is associated with the following publications: (PMID: 29221435)

Illumina Laboratory Services, Illumina
Classification: Likely benign for Myopathy, myofibrillar, 9, with early respiratory failure. Last evaluated: 2018-01-13. Review status: criteria provided, single submitter. Criteria: ICSL Variant Classification Criteria 13 December 2019. Collection method: clinical testing. Allele origin: germline.
Comment: This variant was observed in the ICSL laboratory as part of a predisposition screen in an ostensibly healthy population. It had not been previously curated by ICSL or reported in the Human Gene Mutation Database (HGMD: prior to June 1st, 2018), and was therefore a candidate for classification through an automated scoring system. Utilizing variant allele frequency, disease prevalence and penetrance estimates, and inheritance mode, an automated score was calculated to assess if this variant is too frequent to cause the disease. Based on the score and internal cut-off values, a variant classified as likely benign is not then subjected to further curation. The score for this variant resulted in a classification of likely benign for this disease.

Illumina Laboratory Services, Illumina
Classification: Likely benign for Tibial muscular dystrophy. Last evaluated: 2018-01-13. Review status: criteria provided, single submitter. Criteria: ICSL Variant Classification Criteria 13 December 2019. Collection method: clinical testing. Allele origin: germline.
Comment: the same text as in the submission from Illumina Laboratory Services, Illumina above.

Illumina Laboratory Services, Illumina
Classification: Uncertain significance for Dilated cardiomyopathy 1G. Last evaluated: 2018-01-13. Review status: criteria provided, single submitter. Criteria: ICSL Variant Classification Criteria 13 December 2019. Collection method: clinical testing. Allele origin: germline.

Illumina Laboratory Services, Illumina
Classification: Uncertain significance for Early-onset myopathy with fatal cardiomyopathy. Last evaluated: 2018-01-13. Review status: criteria provided, single submitter. Criteria: ICSL Variant Classification Criteria 13 December 2019. Collection method: clinical testing. Allele origin: germline.

Illumina Laboratory Services, Illumina
Classification: Uncertain significance for Autosomal recessive limb-girdle muscular dystrophy type 2J. Last evaluated: 2018-01-13. Review status: criteria provided, single submitter. Criteria: ICSL Variant Classification Criteria 13 December 2019. Collection method: clinical testing. Allele origin: germline.

Clinical Genetics DNA and cytogenetics Diagnostics Lab, Erasmus MC, Erasmus Medical Center
Classification: Uncertain significance. Review status: no assertion criteria provided. Collection method: clinical testing. Allele origin: germline. Affected: yes. Study: VKGL Data-share Consensus. Not counted in ClinVar's aggregate classification.

Dr. Peter K. Rogan Lab, Western University
No classification provided (evidence only). Condition: Ovarian serous cystadenocarcinoma. Review status: no classification provided. Collection method: in vitro. Allele origin: not applicable. Functional consequence: retained intron. Not counted in ClinVar's aggregate classification.

Genome Diagnostics Laboratory, University Medical Center Utrecht
Classification: Uncertain significance. Review status: no assertion criteria provided. Collection method: clinical testing. Allele origin: germline. Affected: yes. Study: VKGL Data-share Consensus. Not counted in ClinVar's aggregate classification.

Literature cited by the submitters: PubMed 29221435 (cited by Women's Health and Genetics/Laboratory Corporation of America, LabCorp and Ambry Genetics).